The following is an entry in ClinVar:

NM_001458.5(FLNC):c.4741C>A (p.Pro1581Thr)

Gene: FLNC (filamin C; plus strand). Cytogenetic location: 7q32.1.
Variant type: single nucleotide variant.
Coding change: c.4741C>A on transcript NM_001458.5 (MANE Select); coding-DNA position 4741, C replaced by A.
Protein change: p.Pro1581Thr; replaces proline 1581 with threonine.
Molecular consequence: missense variant.
Genome position (GRCh38, 1-based): chr7:128,848,796, C>A. VCF-style: chr7-128848796-C-A. GRCh37 (hg19) VCF-style: chr7-128488850-C-A.
Other names: c.4741C>A, p.Pro1581Thr (NM_001127487.2); short protein forms P1581T.
Identifiers: ClinVar variation 1349722 (VCV001349722.7), dbSNP rs972936640, ClinGen allele CA166184479.

ClinVar aggregate classification (germline): Uncertain significance. Review status: criteria provided, multiple submitters, no conflicts (2 of 4 stars). 3 submissions from 3 submitters: Uncertain significance (3). Last evaluated 2025-07-29.

Conditions:
Cardiovascular phenotype. Identifiers: MedGen CN230736.
Distal myopathy with posterior leg and anterior hand involvement. Also called: WILLIAMS DISTAL MYOPATHY. Identifiers: Orphanet 63273, MedGen C3279722, MONDO:0013550, OMIM 614065.
Myofibrillar myopathy 5. Also called: Filaminopathy (type); FILAMINOPATHY, AUTOSOMAL DOMINANT. Identifiers: Orphanet 171445, MedGen C1836050, MONDO:0012289, OMIM 609524.
Hypertrophic cardiomyopathy 26. Also called: Cardiomyopathy, familial hypertrophic, 26. Identifiers: Orphanet 75249, MedGen C4310749, MONDO:0014883, OMIM 617047.

Allele frequency attached by ClinVar (database versions not stated): gnomAD exomes below 0.00001 and 0.00002; gnomAD 0.00001.
gnomAD v4.1: 37 of 1,614,066 alleles (0.0023%); highest among the groups gnomAD compares: Non-Finnish European, 0.003%; no homozygotes.

Submissions (3):

Labcorp Genetics (formerly Invitae), Labcorp
Classification: Uncertain significance for Distal myopathy with posterior leg and anterior hand involvement; Myofibrillar myopathy 5; Hypertrophic cardiomyopathy 26. Last evaluated: 2025-07-29. Review status: criteria provided, single submitter. Criteria: Invitae Variant Classification Sherloc (09022015). Collection method: clinical testing. Allele origin: germline.
Comment: This sequence change replaces proline, which is neutral and non-polar, with threonine, which is neutral and polar, at codon 1581 of the FLNC protein (p.Pro1581Thr). This variant is present in population databases (no rsID available, gnomAD 0.0009%). This variant has not been reported in the literature in individuals affected with FLNC-related conditions. ClinVar contains an entry for this variant (Variation ID: 1349722). Invitae Evidence Modeling of protein sequence and biophysical properties (such as structural, functional, and spatial information, amino acid conservation, physicochemical variation, residue mobility, and thermodynamic stability) has been performed for this missense variant. However, the output from this modeling did not meet the statistical confidence thresholds required to predict the impact of this variant on FLNC protein function. In summary, the available evidence is currently insufficient to determine the role of this variant in disease. Therefore, it has been classified as a Variant of Uncertain Significance.

Ambry Genetics
Classification: Uncertain significance for Cardiovascular phenotype. Last evaluated: 2022-10-11. Review status: criteria provided, single submitter. Criteria: Ambry Variant Classification Scheme 2023. Collection method: clinical testing. Allele origin: germline.
Comment: The p.P1581T variant (also known as c.4741C>A), located in coding exon 28 of the FLNC gene, results from a C to A substitution at nucleotide position 4741. The proline at codon 1581 is replaced by threonine, an amino acid with highly similar properties. This amino acid position is conserved. In addition, the in silico prediction for this alteration is inconclusive. Since supporting evidence is limited at this time, the clinical significance of this alteration remains unclear.

Blueprint Genetics
Classification: Uncertain significance. Last evaluated: 2021-08-17. Review status: criteria provided, single submitter. Criteria: ACMG Guidelines, 2015. Collection method: clinical testing. Allele origin: germline.